The following is an entry in ClinVar:

ClinVar aggregate classification (germline): Uncertain significance. Review status: criteria provided, multiple submitters, no conflicts (2 of 4 stars). 3 submissions from 3 submitters: Uncertain significance (3). Last evaluated 2026-01-22.

Conditions:
Long QT syndrome (LQTS). Identifiers: MedGen C0023976, MeSH D008133, MONDO:0002442. Disease mechanism: loss of function. Inheritance: Various modes of inheritance.
Cardiac arrhythmia, ankyrin-B-related. Also called: ANKYRIN-B SYNDROME. Identifiers: Orphanet 101016, Orphanet 768, MedGen C1970119, MONDO:0010958, OMIM 600919.

Allele frequency attached by ClinVar (database versions not stated): gnomAD exomes 0.00001; TOPMed 0.00002; gnomAD 0.00001.
gnomAD v4.1: 5 of 1,613,952 alleles (0.00031%); highest among the groups gnomAD compares: East Asian, 0.0045%; no homozygotes.

Submissions (3):

GeneDx
Classification: Uncertain significance. Last evaluated: 2026-01-22. Review status: criteria provided, single submitter. Criteria: GeneDx Variant Classification Process June 2021. Collection method: clinical testing. Allele origin: germline. Affected: yes.
Comment: Has not been previously published as pathogenic or benign to our knowledge; In silico analysis suggests that this missense variant does not alter protein structure/function; Not observed at significant frequency in large population cohorts (gnomAD); This variant is associated with the following publications: (PMID: 18790697, 1830053, 26109584)

Labcorp Genetics (formerly Invitae), Labcorp
Classification: Uncertain significance for Long QT syndrome. Last evaluated: 2025-09-23. Review status: criteria provided, single submitter. Criteria: Invitae Variant Classification Sherloc (09022015). Collection method: clinical testing. Allele origin: germline.
Comment: This sequence change replaces arginine, which is basic and polar, with glutamine, which is neutral and polar, at codon 2688 of the ANK2 protein (p.Arg2688Gln). This variant is present in population databases (no rsID available, gnomAD 0.01%). This variant has not been reported in the literature in individuals affected with ANK2-related conditions. ClinVar contains an entry for this variant (Variation ID: 406462). An algorithm developed to predict the effect of missense changes on protein structure and function outputs the following: PolyPhen-2: "Benign". The glutamine amino acid residue is found in multiple mammalian species, which suggests that this missense change does not adversely affect protein function. In summary, the available evidence is currently insufficient to determine the role of this variant in disease. Therefore, it has been classified as a Variant of Uncertain Significance.

Fulgent Genetics
Classification: Uncertain significance for Cardiac arrhythmia, ankyrin-B-related. Last evaluated: 2021-11-05. Review status: criteria provided, single submitter. Criteria: ACMG Guidelines, 2015. Collection method: clinical testing. Allele origin: unknown.

NM_001148.6(ANK2):c.8063G>A (p.Arg2688Gln)

Gene: ANK2 (ankyrin 2; plus strand). Cytogenetic location: 4q26.
Variant type: single nucleotide variant.
Coding change: c.8063G>A on transcript NM_001148.6 (MANE Select); coding-DNA position 8063, G replaced by A.
Protein change: p.Arg2688Gln; replaces arginine 2688 with glutamine.
Molecular consequence: missense variant. On other transcripts: intron variant (68).
Genome position (GRCh38, 1-based): chr4:113,356,681, G>A. VCF-style: chr4-113356681-G-A. GRCh37 (hg19) VCF-style: chr4-114277837-G-A.
Other names: c.7829G>A, p.Arg2610Gln (NM_001386142.1); c.4463G>A, p.Arg1488Gln (NM_001386166.1); c.8204G>A, p.Arg2735Gln (NM_001386174.1); c.8180G>A, p.Arg2727Gln (NM_001386175.1); c.4412-4142G>A (NM_001386186.2, NM_001386148.2); c.4214-4142G>A (NM_001354269.3); c.4292-4142G>A (NM_001386187.2); c.4253-4142G>A (NM_001386147.1); and 35 more; short protein forms R2688Q, R1488Q, R2610Q, R2727Q, R2735Q.
Identifiers: ClinVar variation 406462 (VCV000406462.12), dbSNP rs142107156, ClinGen allele CA16611593.